The following is an entry in ClinVar:

ClinVar aggregate classification (germline): Uncertain significance (1 of 4 stars; one submission).

Allele frequency attached by ClinVar (database versions not stated): TOPMed below 0.00001.

Submission:

Labcorp Genetics (formerly Invitae), Labcorp
Classification: Uncertain significance. Last evaluated: 2023-11-09. Review status: criteria provided, single submitter. Criteria: Invitae Variant Classification Sherloc (09022015). Collection method: clinical testing. Allele origin: germline.
Comment: This sequence change replaces aspartic acid, which is acidic and polar, with glycine, which is neutral and non-polar, at codon 675 of the RFWD3 protein (p.Asp675Gly). This variant is not present in population databases (gnomAD no frequency). This variant has not been reported in the literature in individuals affected with RFWD3-related conditions. An algorithm developed to predict the effect of missense changes on protein structure and function (PolyPhen-2) suggests that this variant is likely to be tolerated. In summary, the available evidence is currently insufficient to determine the role of this variant in disease. Therefore, it has been classified as a Variant of Uncertain Significance.

NM_018124.4(RFWD3):c.2024A>G (p.Asp675Gly)

Gene: RFWD3 (ring finger and WD repeat domain 3; minus strand). Cytogenetic location: 16q23.1.
Variant type: single nucleotide variant.
Coding change: c.2024A>G on transcript NM_018124.4 (MANE Select); coding-DNA position 2024, A replaced by G.
Protein change: p.Asp675Gly; replaces aspartic acid 675 with glycine.
Molecular consequence: missense variant.
Genome position (GRCh38, 1-based): chr16:74,626,500, T>C on the plus strand (A>G on the coding strand, the complement: RFWD3 is on the minus strand). VCF-style: chr16-74626500-T-C. GRCh37 (hg19) VCF-style: chr16-74660398-T-C.
Other names: c.2024A>G, p.Asp675Gly (NM_001370534.1, NM_001370535.1); c.1847A>G, p.Asp616Gly (NM_001370536.1); c.1190A>G, p.Asp397Gly (NM_001370537.1, NM_001370539.1, NM_001370540.1 and 3 more transcripts); short protein forms D616G, D397G, D675G.
Identifiers: ClinVar variation 2796824 (VCV002796824.3), dbSNP rs1958937573, ClinGen allele CA396759495.
Genomic context (GRCh38, chr16:74,626,500, plus strand): 5'-GTAGGTCCTCCAAAAAATGTATGTACAGGCTGGCAGGAGCAGATTGGATTTCCAGTGTCA[T>C]CCAGTCGGTAGGACATTTCCATCAGCACACTTCGTATGGTGGTGTGATTTTTATCTATGG-3'
Protein context (NP_060594.3, residues 665-685): SVLMEMSYRL[Asp675Gly]DTGNPICSCQ